The following is an entry in ClinVar:

ClinVar aggregate classification (germline): Uncertain significance (1 of 4 stars; one submission).

Submission:

Labcorp Genetics (formerly Invitae), Labcorp
Classification: Uncertain significance. Last evaluated: 2021-12-02. Review status: criteria provided, single submitter. Criteria: Invitae Variant Classification Sherloc (09022015). Collection method: clinical testing. Allele origin: germline.
Comment: This sequence change replaces phenylalanine, which is neutral and non-polar, with leucine, which is neutral and non-polar, at codon 142 of the COX15 protein (p.Phe142Leu). This variant is not present in population databases (gnomAD no frequency). This variant has not been reported in the literature in individuals affected with COX15-related conditions. Algorithms developed to predict the effect of missense changes on protein structure and function are either unavailable or do not agree on the potential impact of this missense change (SIFT: "Not Available"; PolyPhen-2: "Probably Damaging"; Align-GVGD: "Not Available"). In summary, the available evidence is currently insufficient to determine the role of this variant in disease. Therefore, it has been classified as a Variant of Uncertain Significance.

NM_078470.6(COX15):c.426C>A (p.Phe142Leu)

Gene: COX15 (cytochrome c oxidase assembly factor COX15; minus strand). Cytogenetic location: 10q24.2.
Variant type: single nucleotide variant.
Coding change: c.426C>A on transcript NM_078470.6 (MANE Select); coding-DNA position 426, C replaced by A.
Protein change: p.Phe142Leu; replaces phenylalanine 142 with leucine.
Molecular consequence: missense variant. On other transcripts: intron variant (1).
Genome position (GRCh38, 1-based): chr10:99,727,124, G>T on the plus strand (C>A on the coding strand, the complement: COX15 is on the minus strand). VCF-style: chr10-99727124-G-T. GRCh37 (hg19) VCF-style: chr10-101486881-G-T.
Other names: c.426C>A, p.Phe142Leu (NM_001320974.2, NM_001320975.2, NM_001372024.1 and 5 more transcripts); c.-59-53C>A (NM_001320976.2); short protein forms F142L.
Identifiers: ClinVar variation 1506021 (VCV001506021.6), dbSNP rs2133621851, ClinGen allele CA378089190.